The following is an entry in ClinVar:

NM_020919.4(ALS2):c.4636A>G (p.Thr1546Ala)

Gene: ALS2 (alsin Rho guanine nucleotide exchange factor ALS2; minus strand). Cytogenetic location: 2q33.1.
Variant type: single nucleotide variant.
Coding change: c.4636A>G on transcript NM_020919.4 (MANE Select); coding-DNA position 4636, A replaced by G.
Protein change: p.Thr1546Ala; replaces threonine 1546 with alanine.
Molecular consequence: missense variant.
Genome position (GRCh38, 1-based): chr2:201,705,191, T>C on the plus strand (A>G on the coding strand, the complement: ALS2 is on the minus strand). VCF-style: chr2-201705191-T-C. GRCh37 (hg19) VCF-style: chr2-202569914-T-C.
Other names: short protein forms T1546A.
Identifiers: ClinVar variation 1403835 (VCV001403835.6), dbSNP rs772918575, ClinGen allele CA2057507.
Genomic context (GRCh38, chr2:201,705,191, plus strand): 5'-GAGATTACCTGATCTGCTGCAGACATTCTACTGCTGAGGCAAAACAAGCATCTTTCGTGG[T>C]TGGCAAAACCTGCAAAAAAGAGAGTGAAGGTCAAGGAGGAAAACTATTTTCTGCAACAAC-3'
Protein context (NP_065970.2, residues 1536-1556): ILGESKKVLP[Thr1546Ala]TKDACFASAV

ClinVar aggregate classification (germline): Uncertain significance (1 of 4 stars; one submission).

Conditions:
Infantile-onset ascending hereditary spastic paralysis (IAHSP). Also called: Infantile-Onset Ascending Hereditary Spastic Paralysis (IAHSP); Autosomal Recessive Juvenile Amyotrophic Lateral Sclerosis. Identifiers: Orphanet 293168, MedGen C2931441, MONDO:0011797, OMIM 607225. Disease mechanism: loss of function.

Allele frequency attached by ClinVar (database versions not stated): gnomAD 0.00001; gnomAD exomes 0.00001 and 0.00002; ExAC 0.00002.
gnomAD v4.1: 13 of 1,613,998 alleles (0.00081%); highest among the groups gnomAD compares: South Asian, 0.011%; no homozygotes.

Submission:

Labcorp Genetics (formerly Invitae), Labcorp
Classification: Uncertain significance for Infantile-onset ascending hereditary spastic paralysis. Last evaluated: 2022-06-05. Review status: criteria provided, single submitter. Criteria: Invitae Variant Classification Sherloc (09022015). Collection method: clinical testing. Allele origin: germline.
Comment: This sequence change replaces threonine, which is neutral and polar, with alanine, which is neutral and non-polar, at codon 1546 of the ALS2 protein (p.Thr1546Ala). This variant is present in population databases (rs772918575, gnomAD 0.01%). This variant has not been reported in the literature in individuals affected with ALS2-related conditions. ClinVar contains an entry for this variant (Variation ID: 1403835). Algorithms developed to predict the effect of missense changes on protein structure and function output the following: SIFT: "Tolerated"; PolyPhen-2: "Benign"; Align-GVGD: "Class C0". The alanine amino acid residue is found in multiple mammalian species, which suggests that this missense change does not adversely affect protein function. In summary, the available evidence is currently insufficient to determine the role of this variant in disease. Therefore, it has been classified as a Variant of Uncertain Significance.